The following is an entry in ClinVar:

ClinVar aggregate classification (germline): Uncertain significance. Review status: criteria provided, multiple submitters, no conflicts (2 of 4 stars). 3 submissions from 3 submitters: Uncertain significance (3). Last evaluated 2025-04-08.

Conditions:
Inborn genetic diseases. Identifiers: MedGen C0950123, MeSH D030342.
Early-onset Parkinson disease 20. Also called: PARKINSON DISEASE 20, AUTOSOMAL RECESSIVE EARLY-ONSET. Identifiers: Orphanet 391411, MedGen C3809824, MONDO:0014233, OMIM 615530.
Developmental and epileptic encephalopathy, 53. Also called: Epileptic encephalopathy, early infantile, 53. Identifiers: MedGen C4479313, MONDO:0033362, OMIM 617389.

Allele frequency attached by ClinVar (database versions not stated): gnomAD below 0.00001 and 0.00001.
gnomAD v4.1: 68 of 1,613,114 alleles (0.0042%); highest among the groups gnomAD compares: South Asian, 0.069%; no homozygotes.

Submissions (3):

Ambry Genetics
Classification: Uncertain significance for Inborn genetic diseases. Last evaluated: 2025-04-08. Review status: criteria provided, single submitter. Criteria: Ambry Variant Classification Scheme 2023. Collection method: clinical testing. Allele origin: germline.

Blueprint Genetics
Classification: Uncertain significance. Last evaluated: 2024-09-16. Review status: criteria provided, single submitter. Criteria: ACMG Guidelines, 2015. Collection method: clinical testing. Allele origin: germline.

Labcorp Genetics (formerly Invitae), Labcorp
Classification: Uncertain significance for Developmental and epileptic encephalopathy, 53; Early-onset Parkinson disease 20. Last evaluated: 2022-08-09. Review status: criteria provided, single submitter. Criteria: Invitae Variant Classification Sherloc (09022015). Collection method: clinical testing. Allele origin: germline.
Comment: This sequence change replaces serine, which is neutral and polar, with isoleucine, which is neutral and non-polar, at codon 388 of the SYNJ1 protein (p.Ser388Ile). This variant is present in population databases (rs748368610, gnomAD 0.06%). This variant has not been reported in the literature in individuals affected with SYNJ1-related conditions. ClinVar contains an entry for this variant (Variation ID: 954122). Algorithms developed to predict the effect of missense changes on protein structure and function are either unavailable or do not agree on the potential impact of this missense change (SIFT: "Tolerated"; PolyPhen-2: "Probably Damaging"; Align-GVGD: "Class C0"). In summary, the available evidence is currently insufficient to determine the role of this variant in disease. Therefore, it has been classified as a Variant of Uncertain Significance.

NM_203446.3(SYNJ1):c.1046G>T (p.Ser349Ile)

Gene: SYNJ1 (synaptojanin 1; minus strand). Cytogenetic location: 21q22.11.
Variant type: single nucleotide variant.
Coding change: c.1046G>T on transcript NM_203446.3 (MANE Select); coding-DNA position 1046, G replaced by T.
Protein change: p.Ser349Ile; replaces serine 349 with isoleucine.
Molecular consequence: missense variant.
Genome position (GRCh38, 1-based): chr21:32,685,820, C>A on the plus strand (G>T on the coding strand, the complement: SYNJ1 is on the minus strand). VCF-style: chr21-32685820-C-A. GRCh37 (hg19) VCF-style: chr21-34058130-C-A.
Other names: c.1046G>T, p.Ser349Ile (NM_001160302.2, NM_001160306.2); c.1163G>T, p.Ser388Ile (NM_003895.4); short protein forms S349I, S388I.
Identifiers: ClinVar variation 954122 (VCV000954122.7), dbSNP rs748368610, ClinGen allele CA10003978.